The following is an entry in ClinVar:

NM_001199397.3(NEK1):c.3011A>T (p.Asp1004Val)

Gene: NEK1 (NIMA related kinase 1; minus strand). Cytogenetic location: 4q33.
Variant type: single nucleotide variant.
Coding change: c.3011A>T on transcript NM_001199397.3 (MANE Select); coding-DNA position 3011, A replaced by T.
Protein change: p.Asp1004Val; replaces aspartic acid 1004 with valine.
Molecular consequence: missense variant. On other transcripts: non-coding transcript variant (1).
Genome position (GRCh38, 1-based): chr4:169,424,764, T>A on the plus strand (A>T on the coding strand, the complement: NEK1 is on the minus strand). VCF-style: chr4-169424764-T-A. GRCh37 (hg19) VCF-style: chr4-170345915-T-A.
Other names: c.2879A>T, p.Asp960Val (NM_001199398.3); c.2720A>T, p.Asp907Val (NM_001199399.3); c.2795A>T, p.Asp932Val (NM_001199400.3); c.3011A>T, p.Asp1004Val (NM_001374418.1); c.2927A>T, p.Asp976Val (NM_001374419.1, NM_012224.4); c.2876A>T, p.Asp959Val (NM_001374420.1); c.2528A>T, p.Asp843Val (NM_001374421.1); c.2834A>T, p.Asp945Val (NM_001440620.1); and 5 more; short protein forms D960V, D769V, D843V, D873V, D901V, D959V, D976V, D725V.
Identifiers: ClinVar variation 4775498 (VCV004775498.1).
Genomic context (GRCh38, chr4:169,424,764, plus strand): 5'-AAGTGTTCAGAATGAACCACCTTATGGAAAAATGGTTCCGGTTGCACAGACTTATCTACA[T>A]CACATTTAGAGTGCTGAGAATCATTGGTTCCAGGCTCTGTGGTAGAAAGGAGAGATTATG-3'
Protein context (NP_001186326.1, residues 994-1014): GTNDSQHSKC[Asp1004Val]VDKSVQPEPF

ClinVar aggregate classification (germline): Uncertain significance (1 of 4 stars; one submission).

Conditions:
Short-rib thoracic dysplasia 6 with or without polydactyly (SRTD6). Also called: Majewski Syndrome; SHORT-RIB THORACIC DYSPLASIA 6 WITH POLYDACTYLY; SHORT-RIB THORACIC DYSPLASIA 6 WITHOUT POLYDACTYLY; SHORT RIB-POLYDACTYLY SYNDROME, TYPE IIA; POLYDACTYLY WITH NEONATAL CHONDRODYSTROPHY, TYPE II. Identifiers: MedGen C0024507, MONDO:0009894, OMIM 263520.

gnomAD v4.1: 4 of 1,613,204 alleles (0.00025%); highest among the groups gnomAD compares: South Asian, 0.0011%; no homozygotes.

Submission:

Labcorp Genetics (formerly Invitae), Labcorp
Classification: Uncertain significance for Short-rib thoracic dysplasia 6 with or without polydactyly. Last evaluated: 2025-02-17. Review status: criteria provided, single submitter. Criteria: Invitae Variant Classification Sherloc (09022015). Collection method: clinical testing. Allele origin: germline.
Comment: This sequence change replaces aspartic acid, which is acidic and polar, with valine, which is neutral and non-polar, at codon 976 of the NEK1 protein (p.Asp976Val). This variant is not present in population databases (gnomAD no frequency). This variant has not been reported in the literature in individuals affected with NEK1-related conditions. Invitae Evidence Modeling of protein sequence and biophysical properties (such as structural, functional, and spatial information, amino acid conservation, physicochemical variation, residue mobility, and thermodynamic stability) indicates that this missense variant is not expected to disrupt NEK1 protein function with a negative predictive value of 80%. In summary, the available evidence is currently insufficient to determine the role of this variant in disease. Therefore, it has been classified as a Variant of Uncertain Significance.